The following is an entry in ClinVar:

NM_000051.4(ATM):c.8151+90G>A

Genes: ATM (ATM serine/threonine kinase; plus strand), C11orf65 (chromosome 11 open reading frame 65; minus strand). Cytogenetic location: 11q22.3.
Variant type: single nucleotide variant.
Coding change: c.8151+90G>A on transcript NM_000051.4 (MANE Select); 90 bases into the intron after coding-DNA position 8151, G replaced by A.
Molecular consequence: intron variant.
Genome position (GRCh38, 1-based): chr11:108,335,199, G>A. VCF-style: chr11-108335199-G-A. GRCh37 (hg19) VCF-style: chr11-108205926-G-A.
Other names: c.8151+90G>A (NM_001351834.2); c.641-26128C>T (NM_001330368.2); c.*38+21C>T (NM_001351110.2).
Identifiers: ClinVar variation 4057259 (VCV004057259.1).

ClinVar aggregate classification (germline): Benign (1 of 4 stars; one submission).

Conditions:
Breast-ovarian cancer, familial, susceptibility to, 2 (BROVCA2). Also called: BRCA2 Hereditary Breast and Ovarian Cancer. Identifiers: Orphanet 145, MedGen C2675520, MONDO:0012933, OMIM 612555. Disease mechanism: loss of function.

gnomAD v4.1: 5 of 1,596,394 alleles (0.00031%); highest among the groups gnomAD compares: Non-Finnish European, 0.00043%; no homozygotes.

Submission:

Dipartimento Di Medicina Di Precisione, Università Degli Studi Della Campania Luigi Vanvitelli
Classification: Benign for Breast-ovarian cancer, familial, susceptibility to, 2. Last evaluated: 2025-07-17. Review status: criteria provided, single submitter. Criteria: ACMG Guidelines, 2015. Collection method: clinical testing. Allele origin: germline. Inheritance: Autosomal dominant inheritance. Affected: yes. Observed: 1 heterozygote.
Comment: The ATM variant c.8151+90G>A is located in intron 55, far from the canonical splice donor site. In silico splicing prediction tools (e.g., SpliceAI, MaxEntScan, Human Splicing Finder) consistently predict no impact on splicing motifs, and no cryptic splice sites are created. According to ACMG/AMP guidelines and available computational data, this variant is classified as benign.

Literature cited by the submitters: DOI 10.3390/ijms26135928.